The following is an entry in ClinVar:

ClinVar aggregate classification (germline): Pathogenic (1 of 4 stars; one submission).

Conditions:
Fanconi anemia (FA). Also called: Fanconi's anemia. Identifiers: Orphanet 84, MedGen C0015625, MeSH D005199, MONDO:0019391.

Submission:

Labcorp Genetics (formerly Invitae), Labcorp
Classification: Pathogenic for Fanconi anemia. Last evaluated: 2023-03-14. Review status: criteria provided, single submitter. Criteria: Invitae Variant Classification Sherloc (09022015). Collection method: clinical testing. Allele origin: unknown.
Comment: For these reasons, this variant has been classified as Pathogenic. This variant has not been reported in the literature in individuals affected with FANCA-related conditions. This variant is a gross deletion of the genomic region encompassing exon(s) 30-37 of the FANCA gene. This deletion is out-of-frame, and is expected to create a premature termination codon and result in an absent or disrupted protein product. Loss-of-function variants in FANCA are known to be pathogenic (PMID: 19367192).

Literature cited by the submitters: PubMed 19367192.

NC_000016.9:g.(?_89809188)_(89825133_?)del

Gene: FANCA (FA complementation group A; minus strand). Cytogenetic location: 16q24.3.
Variant type: Deletion.
Identifiers: ClinVar variation 3243266 (VCV003243266.1).